The following is an entry in ClinVar:

ClinVar aggregate classification (germline): Uncertain significance (1 of 4 stars; one submission).

Conditions:
Pyogenic arthritis-pyoderma gangrenosum-acne syndrome (PAPA). Also called: FAMILIAL RECURRENT ARTHRITIS; PAPA SYNDROME. Identifiers: Orphanet 69126, MedGen C1858361, MONDO:0011462, OMIM 604416.

gnomAD v4.1: 1 of 1,598,966 alleles (0.000063%); no homozygotes.

Submission:

Labcorp Genetics (formerly Invitae), Labcorp
Classification: Uncertain significance for Pyogenic arthritis, pyoderma gangrenosum and acne. Last evaluated: 2019-04-24. Review status: criteria provided, single submitter. Criteria: Invitae Variant Classification Sherloc (09022015). Collection method: clinical testing. Allele origin: germline.
Comment: This sequence change replaces alanine with serine at codon 157 of the PSTPIP1 protein (p.Ala157Ser). The alanine residue is weakly conserved and there is a moderate physicochemical difference between alanine and serine. This variant is not present in population databases (ExAC no frequency). This variant has not been reported in the literature in individuals with PSTPIP1-related conditions. Algorithms developed to predict the effect of missense changes on protein structure and function (SIFT, PolyPhen-2, Align-GVGD) all suggest that this variant is likely to be tolerated, but these predictions have not been confirmed by published functional studies and their clinical significance is uncertain. In summary, the available evidence is currently insufficient to determine the role of this variant in disease. Therefore, it has been classified as a Variant of Uncertain Significance.

NM_003978.5(PSTPIP1):c.469G>T (p.Ala157Ser)

Gene: PSTPIP1 (proline-serine-threonine phosphatase interacting protein 1; plus strand). Cytogenetic location: 15q24.3.
Variant type: single nucleotide variant.
Coding change: c.469G>T on transcript NM_003978.5 (MANE Select); coding-DNA position 469, G replaced by T.
Protein change: p.Ala157Ser; replaces alanine 157 with serine.
Molecular consequence: missense variant. On other transcripts: non-coding transcript variant (1).
Genome position (GRCh38, 1-based): chr15:77,028,605, G>T. VCF-style: chr15-77028605-G-T. GRCh37 (hg19) VCF-style: chr15-77320946-G-T.
Other names: c.469G>T, p.Ala157Ser (NM_001321135.2); c.442G>T, p.Ala148Ser (NM_001321136.2); c.664G>T, p.Ala222Ser (NM_001321137.1); short protein forms A157S, A222S, A148S.
Identifiers: ClinVar variation 845347 (VCV000845347.1), dbSNP rs2076342688, ClinGen allele CA393519849.